The following is an entry in ClinVar:

ClinVar aggregate classification (germline): Likely benign (0 of 4 stars; one submission).

Conditions:
FGB-related disorder. Also called: FGB-related condition.

Allele frequency attached by ClinVar (database versions not stated): gnomAD 0.00003; gnomAD exomes 0.00004; ExAC 0.00010; 1000 Genomes Project 0.00020; 1000 Genomes Project 30x 0.00031.
gnomAD v4.1: 56 of 1,613,930 alleles (0.0035%); highest among the groups gnomAD compares: South Asian, 0.06%; 1 homozygote.

Submission:

PreventionGenetics, part of Exact Sciences
Classification: Likely benign for FGB-related condition. Last evaluated: 2019-11-26. Review status: no assertion criteria provided. Collection method: clinical testing. Allele origin: germline.
Comment: This variant is classified as likely benign based on ACMG/AMP sequence variant interpretation guidelines (Richards et al. 2015 PMID: 25741868, with internal and published modifications).

NM_005141.5(FGB):c.1050C>T (p.Asp350=)

Gene: FGB (fibrinogen beta chain; plus strand). Cytogenetic location: 4q31.3.
Variant type: single nucleotide variant.
Coding change: c.1050C>T on transcript NM_005141.5 (MANE Select); coding-DNA position 1050, C replaced by T.
Protein change: p.Asp350=; no amino-acid change (aspartic acid 350 retained).
Molecular consequence: synonymous variant.
Genome position (GRCh38, 1-based): chr4:154,569,605, C>T. VCF-style: chr4-154569605-C-T. GRCh37 (hg19) VCF-style: chr4-155490757-C-T.
Other names: c.873C>T, p.Asp291= (NM_001184741.1); c.918C>T, p.Asp306= (NM_001382759.1); c.1050C>T, p.Asp350= (NM_001382760.1, NM_001382761.1, NM_001382764.1 and 1 more transcripts); c.750C>T, p.Asp250= (NM_001382762.1); c.1041C>T, p.Asp347= (NM_001382763.1).
Identifiers: ClinVar variation 3048409 (VCV003048409.2), dbSNP rs547765642, ClinGen allele CA3114709.